The following is an entry in ClinVar:

NM_000127.3(EXT1):c.1617dup (p.Glu540Ter)

Gene: EXT1 (exostosin glycosyltransferase 1; minus strand). Cytogenetic location: 8q24.11.
Variant type: Duplication.
Coding change: c.1617dup on transcript NM_000127.3 (MANE Select); coding-DNA position 1617, one base duplicated (T; older notation c.1617dupT).
Protein change: p.Glu540Ter; replaces glutamic acid 540 with a stop codon.
Molecular consequence: nonsense.
Genome position (GRCh38, 1-based): chr8:117,818,450, A duplicated on the plus strand (T on the coding strand, the reverse complement: EXT1 is on the minus strand); the first of 2 consecutive A bases (chr8:117,818,450-117,818,451); duplicating either gives the same sequence. VCF-style (leftmost placement, unchanged base first): chr8-117818449-C-CA. GRCh37 (hg19) VCF-style: chr8-118830688-C-CA.
Other names: short protein forms E540*.
Identifiers: ClinVar variation 961514 (VCV000961514.7), dbSNP rs1811863055, ClinGen allele CA1139660723.

ClinVar aggregate classification (germline): Pathogenic (1 of 4 stars; one submission).

Conditions:
Multiple congenital exostosis (EXT). Also called: Multiple exostoses; Hereditary multiple osteochondromas; Hereditary multiple exostoses; Hereditary multiple exostosis; Multiple osteochondromas; MULTIPLE CARTILAGINOUS EXOSTOSES. Identifiers: Orphanet 321, MedGen C0015306, MONDO:0005508, HP:0002762.

Submission:

Labcorp Genetics (formerly Invitae), Labcorp
Classification: Pathogenic for Multiple congenital exostosis. Last evaluated: 2019-10-22. Review status: criteria provided, single submitter. Criteria: Invitae Variant Classification Sherloc (09022015). Collection method: clinical testing. Allele origin: germline.
Comment: This sequence change creates a premature translational stop signal (p.Glu540*) in the EXT1 gene. It is expected to result in an absent or disrupted protein product. For these reasons, this variant has been classified as Pathogenic. Loss-of-function variants in EXT1 are known to be pathogenic (PMID: 10679937, 11391482, 19810120). This variant has not been reported in the literature in individuals with EXT1-related conditions. This variant is not present in population databases (ExAC no frequency).

Literature cited by the submitters: PubMed 10679937; PubMed 11391482; PubMed 19810120.